The following is an entry in ClinVar:

NM_000717.5(CA4):c.570C>G (p.Ile190Met)

Gene: CA4 (carbonic anhydrase 4; plus strand). Cytogenetic location: 17q23.1.
Variant type: single nucleotide variant.
Coding change: c.570C>G on transcript NM_000717.5 (MANE Select); coding-DNA position 570, C replaced by G.
Protein change: p.Ile190Met; replaces isoleucine 190 with methionine.
Molecular consequence: missense variant. On other transcripts: non-coding transcript variant (1).
Genome position (GRCh38, 1-based): chr17:60,158,117, C>G. VCF-style: chr17-60158117-C-G. GRCh37 (hg19) VCF-style: chr17-58235478-C-G.
Other names: short protein forms I190M.
Identifiers: ClinVar variation 2968655 (VCV002968655.3), dbSNP rs372013244, ClinGen allele CA8685428.

ClinVar aggregate classification (germline): Uncertain significance (1 of 4 stars; one submission).

Allele frequency attached by ClinVar (database versions not stated): gnomAD 0.00008; TOPMed 0.00008; ESP Exome Variant Server 0.00015; ExAC 0.00003.
gnomAD v4.1: 20 of 1,613,934 alleles (0.0012%); highest among the groups gnomAD compares: African/African-American, 0.025%; no homozygotes.

Submission:

Labcorp Genetics (formerly Invitae), Labcorp
Classification: Uncertain significance. Last evaluated: 2026-01-06. Review status: criteria provided, single submitter. Criteria: Invitae Variant Classification Sherloc (09022015). Collection method: clinical testing. Allele origin: germline.
Comment: This sequence change replaces isoleucine, which is neutral and non-polar, with methionine, which is neutral and non-polar, at codon 190 of the CA4 protein (p.Ile190Met). This variant is present in population databases (rs372013244, gnomAD 0.03%). This variant has not been reported in the literature in individuals affected with CA4-related conditions. ClinVar contains an entry for this variant (Variation ID: 2968655). Invitae Evidence Modeling of protein sequence and biophysical properties (such as structural, functional, and spatial information, amino acid conservation, physicochemical variation, residue mobility, and thermodynamic stability) has been performed for this missense variant. However, the output from this modeling did not meet the statistical confidence thresholds required to predict the impact of this variant on CA4 protein function. In summary, the available evidence is currently insufficient to determine the role of this variant in disease. Therefore, it has been classified as a Variant of Uncertain Significance.